The following is an entry in ClinVar:

NM_000500.9(CYP21A2):c.719T>C (p.Met240Thr)

Genes: CYP21A2 (cytochrome P450 family 21 subfamily A member 2; plus strand), LOC106780800 (CYP21A2 recombination region; plus strand). Cytogenetic location: 6p21.33.
Variant type: single nucleotide variant.
Coding change: c.719T>C on transcript NM_000500.9 (MANE Select); coding-DNA position 719, T replaced by C.
Protein change: p.Met240Thr; replaces methionine 240 with threonine.
Molecular consequence: missense variant.
Genome position (GRCh38, 1-based): chr6:32,039,816, T>C. VCF-style: chr6-32039816-T-C. GRCh37 (hg19) VCF-style: chr6-32007593-T-C.
Other names: c.629T>C, p.Met210Thr (NM_001128590.4); c.314T>C, p.Met105Thr (NM_001368143.2, NM_001368144.2); short protein forms M105T, M210T, M240T.
Identifiers: ClinVar variation 3366325 (VCV003366325.1).

ClinVar aggregate classification (germline): Uncertain significance (1 of 4 stars; one submission).

gnomAD v4.1: 7 of 1,613,850 alleles (0.00043%); highest among the groups gnomAD compares: African/African-American, 0.0053%; no homozygotes.

Submission:

Women's Health and Genetics/Laboratory Corporation of America, LabCorp
Classification: Uncertain significance. Last evaluated: 2024-08-12. Review status: criteria provided, single submitter. Criteria: LabCorp Variant Classification Summary - May 2015. Collection method: clinical testing. Allele origin: germline.
Comment: Variant summary: CYP21A2 c.719T>C (p.Met240Thr) results in a non-conservative amino acid change in the encoded protein sequence. Four of five in-silico tools predict a benign effect of the variant on protein function. The frequency data for this variant in gnomAD is considered unreliable, as metrics indicate poor data quality at this position. To our knowledge, no occurrence of c.719T>C in individuals affected with Congenital Adrenal Hyperplasia and no experimental evidence demonstrating its impact on protein function have been reported. No submitters have cited clinical-significance assessments for this variant to ClinVar. p.Met240Lys was classified as likely benign internally. Based on the evidence outlined above, the variant was classified as uncertain significance.